The following is an entry in ClinVar:

ClinVar aggregate classification (germline): Uncertain significance (1 of 4 stars; one submission).

Conditions:
Short-rib thoracic dysplasia 11 with or without polydactyly (SRTD11). Also called: SHORT-RIB THORACIC DYSPLASIA 11 WITHOUT POLYDACTYLY. Identifiers: Orphanet 474, Orphanet 93271, MedGen C3810200, MONDO:0014287, OMIM 615633.

Allele frequency attached by ClinVar (database versions not stated): TOPMed below 0.00001; gnomAD 0.00001.
gnomAD v4.1: 4 of 1,613,026 alleles (0.00025%); highest among the groups gnomAD compares: African/African-American, 0.0027%; no homozygotes.

Submission:

Labcorp Genetics (formerly Invitae), Labcorp
Classification: Uncertain significance for Short-rib thoracic dysplasia 11 with or without polydactyly. Last evaluated: 2022-03-09. Review status: criteria provided, single submitter. Criteria: Invitae Variant Classification Sherloc (09022015). Collection method: clinical testing. Allele origin: germline.
Comment: This variant is present in population databases (rs759235351, gnomAD 0.003%). In summary, the available evidence is currently insufficient to determine the role of this variant in disease. Therefore, it has been classified as a Variant of Uncertain Significance. Algorithms developed to predict the effect of missense changes on protein structure and function are either unavailable or do not agree on the potential impact of this missense change (SIFT: "Deleterious"; PolyPhen-2: "Possibly Damaging"; Align-GVGD: "Class C0"). This variant has not been reported in the literature in individuals affected with WDR34-related conditions. This sequence change replaces threonine, which is neutral and polar, with proline, which is neutral and non-polar, at codon 473 of the WDR34 protein (p.Thr473Pro).

NM_052844.4(DYNC2I2):c.1417A>C (p.Thr473Pro)

Gene: DYNC2I2 (dynein 2 intermediate chain 2; minus strand). Cytogenetic location: 9q34.11.
Variant type: single nucleotide variant.
Coding change: c.1417A>C on transcript NM_052844.4 (MANE Select); coding-DNA position 1417, A replaced by C.
Protein change: p.Thr473Pro; replaces threonine 473 with proline.
Molecular consequence: missense variant.
Genome position (GRCh38, 1-based): chr9:128,633,938, T>G on the plus strand (A>C on the coding strand, the complement: DYNC2I2 is on the minus strand). VCF-style: chr9-128633938-T-G. GRCh37 (hg19) VCF-style: chr9-131396217-T-G.
Other names: short protein forms T473P.
Identifiers: ClinVar variation 2199576 (VCV002199576.2), dbSNP rs759235351, ClinGen allele CA5266193.